The following is an entry in ClinVar:

NM_170754.4(TNS2):c.66C>G (p.Ala22=)

Genes: TNS2 (tensin 2; plus strand), TNS2-AS1 (TNS2 antisense RNA 1; minus strand). Cytogenetic location: 12q13.13.
Variant type: single nucleotide variant.
Coding change: c.66C>G on transcript NM_170754.4 (MANE Select); coding-DNA position 66, C replaced by G.
Protein change: p.Ala22=; no amino-acid change (alanine 22 retained).
Molecular consequence: synonymous variant. On other transcripts: intron variant (4).
Genome position (GRCh38, 1-based): chr12:53,050,251, C>G. VCF-style: chr12-53050251-C-G. GRCh37 (hg19) VCF-style: chr12-53444035-C-G.
Other names: c.66C>G, p.Ala22= (NM_001416204.1); c.-297-1604C>G (NM_198316.2); c.76-1604C>G (NM_001416202.1); c.6+1003C>G (NM_001416203.1, NM_015319.3).
Identifiers: ClinVar variation 2643038 (VCV002643038.24), dbSNP rs770513070, ClinGen allele CA6591752.

ClinVar aggregate classification (germline): Likely benign (1 of 4 stars; one submission).

Allele frequency attached by ClinVar (database versions not stated): ExAC 0.00013.

Submission:

CeGaT Center for Human Genetics Tuebingen
Classification: Likely benign. Last evaluated: 2023-02-01. Review status: criteria provided, single submitter. Criteria: CeGaT Center For Human Genetics Tuebingen Variant Classification Criteria Version 2. Collection method: clinical testing. Allele origin: germline. Affected: yes. Observed: 1 variant allele.
Comment: TNS2: BP4, BP7